The following is an entry in ClinVar:

ClinVar aggregate classification (germline): Uncertain significance (1 of 4 stars; one submission).

Conditions:
MHC class II deficiency. Also called: BLS, TYPE II; Bare lymphocyte syndrome 2. Identifiers: Orphanet 572, MedGen C5447452, MONDO:0008855.

gnomAD v4.1: 12 of 1,613,052 alleles (0.00074%); highest among the groups gnomAD compares: Middle Eastern, 0.017%; no homozygotes.

Submission:

Labcorp Genetics (formerly Invitae), Labcorp
Classification: Uncertain significance for MHC class II deficiency. Last evaluated: 2022-01-28. Review status: criteria provided, single submitter. Criteria: Invitae Variant Classification Sherloc (09022015). Collection method: clinical testing. Allele origin: germline.
Comment: This sequence change replaces proline, which is neutral and non-polar, with serine, which is neutral and polar, at codon 653 of the CIITA protein (p.Pro653Ser). This variant is present in population databases (rs199476071, gnomAD 0.003%). This variant has not been reported in the literature in individuals affected with CIITA-related conditions. Algorithms developed to predict the effect of missense changes on protein structure and function (SIFT, PolyPhen-2, Align-GVGD) all suggest that this variant is likely to be tolerated. In summary, the available evidence is currently insufficient to determine the role of this variant in disease. Therefore, it has been classified as a Variant of Uncertain Significance.

NM_000246.4(CIITA):c.1957C>T (p.Pro653Ser)

Gene: CIITA (class II major histocompatibility complex transactivator; plus strand). Cytogenetic location: 16p13.13.
Variant type: single nucleotide variant.
Coding change: c.1957C>T on transcript NM_000246.4 (MANE Select); coding-DNA position 1957, C replaced by T.
Protein change: p.Pro653Ser; replaces proline 653 with serine.
Molecular consequence: missense variant. On other transcripts: intron variant (1).
Genome position (GRCh38, 1-based): chr16:10,907,449, C>T. VCF-style: chr16-10907449-C-T. GRCh37 (hg19) VCF-style: chr16-11001306-C-T.
Other names: c.1960C>T, p.Pro654Ser (NM_001286402.1, NM_001379332.1); c.1813C>T, p.Pro605Ser (NM_001379330.1); c.1810C>T, p.Pro604Ser (NM_001379331.1); c.1957C>T, p.Pro653Ser (NM_001379333.1); c.1888C>T, p.Pro630Ser (NM_001379334.1); c.860-1534C>T (NM_001286403.2); short protein forms P653S, P654S, P630S, P604S, P605S.
Identifiers: ClinVar variation 1371597 (VCV001371597.5), dbSNP rs199476071, ClinGen allele CA7900255.